The following is an entry in ClinVar:

NM_000169.3(GLA):c.129C>T (p.Gly43=)

Genes: GLA (galactosidase alpha; minus strand), RPL36A-HNRNPH2 (RPL36A-HNRNPH2 readthrough; plus strand). Cytogenetic location: Xq22.1.
Variant type: single nucleotide variant.
Coding change: c.129C>T on transcript NM_000169.3 (MANE Select); coding-DNA position 129, C replaced by T.
Protein change: p.Gly43=; no amino-acid change (glycine 43 retained).
Molecular consequence: synonymous variant. On other transcripts: non-coding transcript variant (3), intron variant (2).
Genome position (GRCh38, 1-based): chrX:101,407,775, G>A on the plus strand (C>T on the coding strand, the complement: GLA is on the minus strand). VCF-style: chrX-101407775-G-A. GRCh37 (hg19) VCF-style: chrX-100662763-G-A.
Other names: c.129C>T, p.Gly43= (NM_001406747.1, NM_001406748.1, NM_001406749.1); c.301-4161G>A (NM_001199973.2); c.178-4161G>A (NM_001199974.2).
Identifiers: ClinVar variation 42453 (VCV000042453.50), dbSNP rs146177035, ClinGen allele CA021505.

ClinVar aggregate classification (germline): Benign/Likely benign. Review status: criteria provided, multiple submitters, no conflicts (2 of 4 stars). 14 submissions from 14 submitters: Benign (6); Likely benign (4). 4 of the submissions do not count toward it. Last evaluated 2026-04-01.

Conditions:
Cardiovascular phenotype. Identifiers: MedGen CN230736.
Fabry disease. Also called: Fabry's disease; Angiokeratoma corporis diffusum; GLA DEFICIENCY; HEREDITARY DYSTOPIC LIPIDOSIS; Ceramide trihexosidosis; ALPHA-GALACTOSIDASE A DEFICIENCY. Identifiers: Orphanet 324, MedGen C0002986, MONDO:0010526, OMIM 301500, HP:0001071. Disease mechanism: loss of function, Fabry disease is due to inactivating mutations in the X-linked GLA gene resulting in deficiency of the enzyme Alpha Galactosidase-A..

Allele frequency attached by ClinVar (database versions not stated): gnomAD exomes 0.00010 and 0.00046; gnomAD 0.00018 and 0.00023; ESP Exome Variant Server 0.00019; TOPMed 0.00026; ExAC 0.00034; 1000 Genomes Project 0.00132; 1000 Genomes Project 30x 0.00166.
gnomAD v4.1: 143 of 1,209,678 alleles (0.012%); highest among the groups gnomAD compares: East Asian, 0.28%; no homozygotes.

Submissions (14):

CeGaT Center for Human Genetics Tuebingen
Classification: Likely benign. Last evaluated: 2026-04-01. Review status: criteria provided, single submitter. Criteria: CeGaT Center For Human Genetics Tuebingen Variant Classification Criteria Version 2. Collection method: clinical testing. Allele origin: germline. Affected: yes. Observed: 1 variant allele.
Comment: GLA: BP4, BS2

Labcorp Genetics (formerly Invitae), Labcorp
Classification: Benign for Fabry disease. Last evaluated: 2026-02-03. Review status: criteria provided, single submitter. Criteria: Invitae Variant Classification Sherloc (09022015). Collection method: clinical testing. Allele origin: germline.

Blueprint Genetics
Classification: Likely benign. Last evaluated: 2024-04-10. Review status: criteria provided, single submitter. Criteria: ACMG Guidelines, 2015. Collection method: clinical testing. Allele origin: germline.

Genome-Nilou Lab
Classification: Benign for Fabry disease. Last evaluated: 2021-07-15. Review status: criteria provided, single submitter. Criteria: ACMG Guidelines, 2015. Collection method: clinical testing. Allele origin: germline. Affected: no.

Color Diagnostics, LLC DBA Color Health
Classification: Benign for Fabry disease. Last evaluated: 2018-05-29. Review status: criteria provided, single submitter. Criteria: ACMG Guidelines, 2015. Collection method: clinical testing. Allele origin: germline.

Women's Health and Genetics/Laboratory Corporation of America, LabCorp
Classification: Benign. Last evaluated: 2016-12-15. Review status: criteria provided, single submitter. Criteria: LabCorp Variant Classification Summary - May 2015. Collection method: clinical testing. Allele origin: germline.
Comment: Variant summary: The GLA c.129C>T (p.Gly43Gly) variant involves the alteration of a conserved nucleotide, resulting in a synonymous change. One in silico tool predicts a damaging outcome for this variant. 4/5 splice prediction tools predict no significant impact on normal splicing. ESE finder predicts that this variant does not affect any ESE site. This variant was found in 30/87749 control chromosomes in ExAC database, including 7 hemizygotes (~1 in 4179 males, assuming male/female ratio is 1). Fabry disease affects an estimated 1 in 40,000 to 60,000 males, which is much lower than the hemizygote frequency of the variant of interest. Therefore, this variant is unlikely to associate with the disease. In addition, multiple clinical diagnostic laboratories/reputable databases classified this variant as likely benign/benign. The variant of interest has not, to our knowledge, been reported in affected individuals via publications and/or reputable databases/clinical diagnostic laboratories; nor evaluated for functional impact by in vivo/vitro studies. Taken together, this variant is classified as benign.

Laboratory for Molecular Medicine, Mass General Brigham Personalized Medicine
Classification: Likely benign. Last evaluated: 2016-12-12. Review status: criteria provided, single submitter. Criteria: LMM Criteria. Collection method: clinical testing. Allele origin: germline. Observed: 1 variant allele.
Comment: proposed classification - variant undergoing re-assessment, contact laboratory

Ambry Genetics
Classification: Likely benign for Cardiovascular phenotype. Last evaluated: 2016-04-25. Review status: criteria provided, single submitter. Criteria: Ambry Variant Classification Scheme 2023. Collection method: clinical testing. Allele origin: germline.

Eurofins Ntd Llc (ga)
Classification: Benign. Last evaluated: 2015-08-28. Review status: criteria provided, single submitter. Criteria: EGL Classification Definitions 2015. Collection method: clinical testing. Allele origin: germline. Observed: 1 variant allele, 1 heterozygote.

GeneDx
Classification: Benign. Last evaluated: 2015-03-03. Review status: criteria provided, single submitter. Criteria: GeneDx Variant Classification Process June 2021. Collection method: clinical testing. Allele origin: germline. Affected: yes.

Clinical Genetics DNA and cytogenetics Diagnostics Lab, Erasmus MC, Erasmus Medical Center
Classification: Likely benign. Review status: no assertion criteria provided. Collection method: clinical testing. Allele origin: germline. Affected: yes. Study: VKGL Data-share Consensus. Not counted in ClinVar's aggregate classification.

Clinical Genetics, Academic Medical Center
Classification: Benign. Review status: no assertion criteria provided. Collection method: clinical testing. Allele origin: germline. Affected: yes. Study: VKGL Data-share Consensus. Not counted in ClinVar's aggregate classification.

Genome Diagnostics Laboratory, University Medical Center Utrecht
Classification: Benign. Review status: no assertion criteria provided. Collection method: clinical testing. Allele origin: germline. Affected: yes. Study: VKGL Data-share Consensus. Not counted in ClinVar's aggregate classification.

Joint Genome Diagnostic Labs from Nijmegen and Maastricht, Radboudumc and MUMC+
Classification: Likely benign. Review status: no assertion criteria provided. Collection method: clinical testing. Allele origin: germline. Affected: yes. Study: VKGL Data-share Consensus. Not counted in ClinVar's aggregate classification.